The following is an entry in ClinVar:

ClinVar aggregate classification (germline): Uncertain significance/Uncertain risk allele. Review status: criteria provided, multiple submitters, no conflicts (2 of 4 stars). 3 submissions from 2 submitters: Uncertain significance (2); Uncertain risk allele (1). Last evaluated 2018-01-12.

Conditions:
Autosomal dominant nonsyndromic hearing loss 6 (LFSNHL). Also called: DEAFNESS, AUTOSOMAL DOMINANT 6; DEAFNESS, AUTOSOMAL DOMINANT 14; DEAFNESS, AUTOSOMAL DOMINANT 38; Autosomal dominant nonsyndromic deafness 6; DIDMOAD (Diabetes Insipidus, Diabetes Mellitus, Optic Atrophy, and Deafness). Identifiers: Orphanet 90635, MedGen C1833021, MONDO:0010963, OMIM 600965.
WFS1-Related Spectrum Disorders.
Wolfram syndrome 1 (WFS1). Identifiers: Orphanet 3463, MedGen C4551693, MONDO:0009101, OMIM 222300.

gnomAD v4.1: 2 of 1,612,812 alleles (0.00012%); highest among the groups gnomAD compares: South Asian, 0.0022%; no homozygotes.

Submissions (3):

Illumina Laboratory Services, Illumina
Classification: Uncertain significance for Autosomal dominant nonsyndromic hearing loss 6. Last evaluated: 2018-01-12. Review status: criteria provided, single submitter. Criteria: ICSL Variant Classification Criteria 13 December 2019. Collection method: clinical testing. Allele origin: germline.

Illumina Laboratory Services, Illumina
Classification: Uncertain significance for WFS1-Related Spectrum Disorders. Last evaluated: 2018-01-12. Review status: criteria provided, single submitter. Criteria: ICSL Variant Classification Criteria 13 December 2019. Collection method: clinical testing. Allele origin: germline.

Clinical Genomics, Uppaluri K&H Personalized Medicine Clinic
Classification: Uncertain risk allele for Wolfram syndrome 1. Review status: criteria provided, single submitter. Criteria: K & H Uppaluri Personalized Medicine Clinic Variant Classification & Assertion Criteria_Updated V.1. Collection method: research. Allele origin: unknown. Inheritance: Autosomal recessive inheritance.
Comment: Potent mutations in WFS1 gene are associated with Wolfram's syndrome, an autosomal recessive condition, which cause diabetes mellitus, diabetes insipidus, deafness and optic atrophy. However no sufficient evidence is found to ascertain the role of this particular variant rs755328574 in Wolfram's syndrome yet.

Literature cited by the submitters: PubMed 20738327 (cited by Clinical Genomics, Uppaluri K&H Personalized Medicine Clinic); PubMed 33879153 (cited by Clinical Genomics, Uppaluri K&H Personalized Medicine Clinic); PubMed 12955714 (cited by Clinical Genomics, Uppaluri K&H Personalized Medicine Clinic); PubMed 18060660 (cited by Clinical Genomics, Uppaluri K&H Personalized Medicine Clinic); PubMed 20301750 (cited by Clinical Genomics, Uppaluri K&H Personalized Medicine Clinic); PubMed 17603484 (cited by Clinical Genomics, Uppaluri K&H Personalized Medicine Clinic).

NM_006005.3(WFS1):c.2298C>A (p.His766Gln)

Gene: WFS1 (wolframin ER transmembrane glycoprotein; plus strand). Cytogenetic location: 4p16.1.
Variant type: single nucleotide variant.
Coding change: c.2298C>A on transcript NM_006005.3 (MANE Select); coding-DNA position 2298, C replaced by A.
Protein change: p.His766Gln; replaces histidine 766 with glutamine.
Molecular consequence: missense variant.
Genome position (GRCh38, 1-based): chr4:6,302,093, C>A. VCF-style: chr4-6302093-C-A. GRCh37 (hg19) VCF-style: chr4-6303820-C-A.
Other names: c.2298C>A, p.His766Gln (NM_001145853.1); short protein forms H766Q.
Identifiers: ClinVar variation 349324 (VCV000349324.6), dbSNP rs755328574, ClinGen allele CA10619009.